The following is an entry in ClinVar:

NM_015662.3(IFT172):c.1937+5G>A

Gene: IFT172 (intraflagellar transport 172; minus strand). Cytogenetic location: 2p23.3.
Variant type: single nucleotide variant.
Coding change: c.1937+5G>A on transcript NM_015662.3 (MANE Select); 5 bases into the intron after coding-DNA position 1937, G replaced by A.
Molecular consequence: intron variant.
Genome position (GRCh38, 1-based): chr2:27,465,406, C>T on the plus strand (G>A on the coding strand, the complement: IFT172 is on the minus strand). VCF-style: chr2-27465406-C-T. GRCh37 (hg19) VCF-style: chr2-27688273-C-T.
Identifiers: ClinVar variation 1962146 (VCV001962146.5), dbSNP rs2465902288, ClinGen allele CA2580066262.
Genomic context (GRCh38, chr2:27,465,406, plus strand): 5'-GGAAAATACTCATGTGATTATCCCTCCTAGCTGCGTGGCACCTCTGTTCTACATGTCTAC[C>T]TCACCTCTCCGCAATGTGTAGTTGCCTTGCCTCTAGTGCCAGTTTACTCAAGGTTTTCCA-3'

ClinVar aggregate classification (germline): Uncertain significance (1 of 4 stars; one submission).

Conditions:
Short-rib thoracic dysplasia 10 with or without polydactyly (SRTD10). Identifiers: Orphanet 474, MedGen C3810175, MONDO:0014284, OMIM 615630.
Retinitis pigmentosa 71 (RP71). Identifiers: Orphanet 791, MedGen C4225342, MONDO:0014618, OMIM 616394.

Submission:

Labcorp Genetics (formerly Invitae), Labcorp
Classification: Uncertain significance for Retinitis pigmentosa 71; Short-rib thoracic dysplasia 10 with or without polydactyly. Last evaluated: 2022-08-16. Review status: criteria provided, single submitter. Criteria: Invitae Variant Classification Sherloc (09022015). Collection method: clinical testing. Allele origin: germline.
Comment: This variant is not present in population databases (gnomAD no frequency). This variant has not been reported in the literature in individuals affected with IFT172-related conditions. This sequence change falls in intron 18 of the IFT172 gene. It does not directly change the encoded amino acid sequence of the IFT172 protein. It affects a nucleotide within the consensus splice site. Variants that disrupt the consensus splice site are a relatively common cause of aberrant splicing (PMID: 17576681, 9536098). Algorithms developed to predict the effect of sequence changes on RNA splicing suggest that this variant may disrupt the consensus splice site. In summary, the available evidence is currently insufficient to determine the role of this variant in disease. Therefore, it has been classified as a Variant of Uncertain Significance.

Literature cited by the submitters: PubMed 17576681; PubMed 9536098.